The following is an entry in ClinVar:

NM_001367624.2(ZNF469):c.*5T>C

Gene: ZNF469 (zinc finger protein 469; plus strand). Cytogenetic location: 16q24.2.
Variant type: single nucleotide variant.
Coding change: c.*5T>C on transcript NM_001367624.2 (MANE Select); 5 bases downstream of the stop codon, T replaced by C.
Molecular consequence: 3 prime UTR variant.
Genome position (GRCh38, 1-based): chr16:88,439,337, T>C. VCF-style: chr16-88439337-T-C. GRCh37 (hg19) VCF-style: chr16-88505745-T-C.
Other names: NM_001127464.2:c.*5T>C.
Identifiers: ClinVar variation 3032271 (VCV003032271.3), dbSNP rs900870686, ClinGen allele CA286388642.

ClinVar aggregate classification (germline): Likely benign. Review status: criteria provided, single submitter (1 of 4 stars). 2 submissions from 2 submitters: Likely benign (1). 1 of the submissions does not count toward it. Last evaluated 2025-05-30.

Conditions:
ZNF469-related disorder. Also called: ZNF469-related condition.

Allele frequency attached by ClinVar (database versions not stated): TOPMed 0.00003; gnomAD exomes 0.00006; gnomAD 0.00003.
gnomAD v4.1: 84 of 1,550,102 alleles (0.0054%); highest among the groups gnomAD compares: Non-Finnish European, 0.0069%; 1 homozygote.

Submissions (2):

Mayo Clinic Laboratories, Mayo Clinic
Classification: Likely benign. Last evaluated: 2025-05-30. Review status: criteria provided, single submitter. Criteria: ACMG Guidelines, 2015. Collection method: clinical testing. Allele origin: germline. Observed: 1 variant allele.
Comment: BP4, BP7

PreventionGenetics, part of Exact Sciences
Classification: Likely benign for ZNF469-related condition. Last evaluated: 2023-07-12. Review status: no assertion criteria provided. Collection method: clinical testing. Allele origin: germline. Not counted in ClinVar's aggregate classification.
Comment: This variant is classified as likely benign based on ACMG/AMP sequence variant interpretation guidelines (Richards et al. 2015 PMID: 25741868, with internal and published modifications).